The following is an entry in ClinVar:

NM_000093.5(COL5A1):c.2563C>T (p.Pro855Ser)

Gene: COL5A1 (collagen type V alpha 1 chain; plus strand). Cytogenetic location: 9q34.3.
Variant type: single nucleotide variant.
Coding change: c.2563C>T on transcript NM_000093.5 (MANE Select); coding-DNA position 2563, C replaced by T.
Protein change: p.Pro855Ser; replaces proline 855 with serine.
Molecular consequence: missense variant.
Genome position (GRCh38, 1-based): chr9:134,785,067, C>T. VCF-style: chr9-134785067-C-T. GRCh37 (hg19) VCF-style: chr9-137676913-C-T.
Other names: c.2563C>T, p.Pro855Ser (NM_001278074.1); c.2563C>T (NM_000093.3); short protein forms P855S.
Identifiers: ClinVar variation 2899254 (VCV002899254.4), dbSNP rs141666036, ClinGen allele CA201105177.

ClinVar aggregate classification (germline): Conflicting classifications of pathogenicity. Review status: criteria provided, conflicting classifications (1 of 4 stars). 2 submissions from 2 submitters: Uncertain significance (1); Likely benign (1). Last evaluated 2025-11-13.

Conditions:
Familial thoracic aortic aneurysm and aortic dissection (TAAD). Also called: Thoracic aortic aneurysms and dissections. Identifiers: Orphanet 91387, MedGen C4707243, MONDO:0019625.
Ehlers-Danlos syndrome, classic type, 1 (EDSCL1). Also called: EDS I; EHLERS-DANLOS SYNDROME, GRAVIS TYPE; EHLERS-DANLOS SYNDROME, SEVERE CLASSIC TYPE; Ehlers-Danlos syndrome, type 1; Ehlers-Danlos Syndrome, Classic Type, COL5A1-Related. Identifiers: MedGen C0268335, MONDO:0019567, OMIM 130000.

Allele frequency attached by ClinVar (database versions not stated): TOPMed below 0.00001; gnomAD exomes 0.00001.
gnomAD v4.1: 8 of 1,613,284 alleles (0.0005%); highest among the groups gnomAD compares: Non-Finnish European, 0.00068%; no homozygotes.

Submissions (2):

Labcorp Genetics (formerly Invitae), Labcorp
Classification: Likely benign for Ehlers-Danlos syndrome, classic type, 1. Last evaluated: 2025-11-13. Review status: criteria provided, single submitter. Criteria: Invitae Variant Classification Sherloc (09022015). Collection method: clinical testing. Allele origin: germline.

Ambry Genetics
Classification: Uncertain significance for Familial thoracic aortic aneurysm and aortic dissection. Last evaluated: 2025-08-22. Review status: criteria provided, single submitter. Criteria: Ambry Variant Classification Scheme 2023. Collection method: clinical testing. Allele origin: germline.
Comment: The p.P855S variant (also known as c.2563C>T), located in coding exon 30 of the COL5A1 gene, results from a C to T substitution at nucleotide position 2563. The proline at codon 855 is replaced by serine, an amino acid with similar properties. This amino acid position is well conserved in available vertebrate species. In addition, the in silico prediction for this alteration is inconclusive. Based on the available evidence, the clinical significance of this variant remains unclear.